The following is an entry in ClinVar:

ClinVar aggregate classification (germline): Uncertain significance (1 of 4 stars; one submission).

Conditions:
DNA ligase IV deficiency. Identifiers: Orphanet 99812, MedGen C1847827, MONDO:0011686, OMIM 606593.

Submission:

Labcorp Genetics (formerly Invitae), Labcorp
Classification: Uncertain significance for DNA ligase IV deficiency. Last evaluated: 2023-06-19. Review status: criteria provided, single submitter. Criteria: Invitae Variant Classification Sherloc (09022015). Collection method: clinical testing. Allele origin: germline.
Comment: In summary, the available evidence is currently insufficient to determine the role of this variant in disease. Therefore, it has been classified as a Variant of Uncertain Significance. Experimental studies and prediction algorithms are not available or were not evaluated, and the functional significance of this variant is currently unknown. This variant has not been reported in the literature in individuals affected with LIG4-related conditions. This variant is not present in population databases (gnomAD no frequency). This variant, c.1878_1880del, results in the deletion of 1 amino acid(s) of the LIG4 protein (p.Lys627del), but otherwise preserves the integrity of the reading frame.

NM_206937.2(LIG4):c.1878_1880del (p.Lys627del)

Gene: LIG4 (DNA ligase 4; minus strand). Cytogenetic location: 13q33.3.
Variant type: Deletion.
Coding change: c.1878_1880del on transcript NM_206937.2 (MANE Select); coding-DNA positions 1878 to 1880, 3 bases deleted (AAA; older notation c.1878_1880delAAA).
Protein change: p.Lys627del; deletes lysine 627.
Molecular consequence: inframe deletion.
Genome position (GRCh38, 1-based): chr13:108,209,389-108,209,391, TTT deleted on the plus strand (AAA on the coding strand, the reverse complement: LIG4 is on the minus strand); deleting any 3 consecutive bases within chr13:108,209,389-108,209,395 gives the same sequence; the c. name uses the placement nearest the transcript's 3' end. VCF-style (leftmost placement, unchanged base first): chr13-108209388-CTTT-C. GRCh37 (hg19) VCF-style: chr13-108861736-CTTT-C.
Other names: c.1878_1880del, p.Lys627del (NM_001098268.2, NM_001352598.2, NM_001352599.2 and 6 more transcripts); c.1677_1679del, p.Lys560del (NM_001330595.2); c.1914_1916del, p.Lys639del (NM_001352604.2); short protein forms K560del, K639del, K627del.
Identifiers: ClinVar variation 2880465 (VCV002880465.3), dbSNP rs2501591208, ClinGen allele CA2623644108.